The following is an entry in ClinVar:

NM_001395159.1(UNC79):c.1369G>C (p.Glu457Gln)

Gene: UNC79 (unc-79 subunit of NALCN channel complex; plus strand). Cytogenetic location: 14q32.12.
Variant type: single nucleotide variant.
Coding change: c.1369G>C on transcript NM_001395159.1 (MANE Select); coding-DNA position 1369, G replaced by C.
Protein change: p.Glu457Gln; replaces glutamic acid 457 with glutamine.
Molecular consequence: missense variant.
Genome position (GRCh38, 1-based): chr14:93,540,676, G>C. VCF-style: chr14-93540676-G-C. GRCh37 (hg19) VCF-style: chr14-94007022-G-C.
Other names: c.1369G>C, p.Glu457Gln (NM_001346218.2); c.838G>C, p.Glu280Gln (NM_020818.5); short protein forms E280Q, E457Q.
Identifiers: ClinVar variation 3041972 (VCV003041972.3), dbSNP rs139796738, ClinGen allele CA7321410.

ClinVar aggregate classification (germline): Likely benign. Review status: criteria provided, single submitter (1 of 4 stars). 2 submissions from 2 submitters: Likely benign (1). 1 of the submissions does not count toward it. Last evaluated 2026-09-01.

Conditions:
UNC79-related disorder. Also called: UNC79-related condition.

Allele frequency attached by ClinVar (database versions not stated): 1000 Genomes Project 0.00040; ExAC 0.00049; 1000 Genomes Project 30x 0.00062.
gnomAD v4.1: 173 of 1,612,302 alleles (0.011%); highest among the groups gnomAD compares: Admixed American, 0.29%; 1 homozygote.

Submissions (2):

CeGaT Center for Human Genetics Tuebingen
Classification: Likely benign. Last evaluated: 2026-09-01. Review status: criteria provided, single submitter. Criteria: CeGaT Center For Human Genetics Tuebingen Variant Classification Criteria Version 2. Collection method: clinical testing. Allele origin: germline. Affected: yes. Observed: 1 variant allele.
Comment: UNC79: BS2

PreventionGenetics, part of Exact Sciences
Classification: Likely benign for UNC79-related condition. Last evaluated: 2022-12-13. Review status: no assertion criteria provided. Collection method: clinical testing. Allele origin: germline. Not counted in ClinVar's aggregate classification.
Comment: This variant is classified as likely benign based on ACMG/AMP sequence variant interpretation guidelines (Richards et al. 2015 PMID: 25741868, with internal and published modifications).